The following is an entry in ClinVar:

NM_015102.5(NPHP4):c.3211G>A (p.Gly1071Arg)

Gene: NPHP4 (nephrocystin 4; minus strand). Cytogenetic location: 1p36.31.
Variant type: single nucleotide variant.
Coding change: c.3211G>A on transcript NM_015102.5 (MANE Select); coding-DNA position 3211, G replaced by A.
Protein change: p.Gly1071Arg; replaces glycine 1071 with arginine.
Molecular consequence: missense variant. On other transcripts: non-coding transcript variant (1).
Genome position (GRCh38, 1-based): chr1:5,874,491, C>T on the plus strand (G>A on the coding strand, the complement: NPHP4 is on the minus strand). VCF-style: chr1-5874491-C-T. GRCh37 (hg19) VCF-style: chr1-5934551-C-T.
Other names: c.1672G>A, p.Gly558Arg (NM_001291593.2); c.1675G>A, p.Gly559Arg (NM_001291594.2); short protein forms G558R, G1071R, G559R.
Identifiers: ClinVar variation 860779 (VCV000860779.9), dbSNP rs1642349499, ClinGen allele CA338055485.

ClinVar aggregate classification (germline): Uncertain significance (1 of 4 stars; one submission).

Conditions:
Nephronophthisis. Also called: Juvenile Nephronophthisis. Identifiers: Orphanet 655, MedGen C0687120, MONDO:0019005, HP:0000090.

Submission:

Labcorp Genetics (formerly Invitae), Labcorp
Classification: Uncertain significance for Nephronophthisis. Last evaluated: 2022-02-11. Review status: criteria provided, single submitter. Criteria: Invitae Variant Classification Sherloc (09022015). Collection method: clinical testing. Allele origin: germline.
Comment: This sequence change replaces glycine, which is neutral and non-polar, with arginine, which is basic and polar, at codon 1071 of the NPHP4 protein (p.Gly1071Arg). This variant is not present in population databases (gnomAD no frequency). In summary, the available evidence is currently insufficient to determine the role of this variant in disease. Therefore, it has been classified as a Variant of Uncertain Significance. Algorithms developed to predict the effect of missense changes on protein structure and function are either unavailable or do not agree on the potential impact of this missense change (SIFT: "Tolerated"; PolyPhen-2: "Possibly Damaging"; Align-GVGD: "Class C0"). ClinVar contains an entry for this variant (Variation ID: 860779). This variant has not been reported in the literature in individuals affected with NPHP4-related conditions.